The following is an entry in ClinVar:

NM_015204.3(THSD7A):c.130G>A (p.Ala44Thr)

Gene: THSD7A (thrombospondin type 1 domain containing 7A; minus strand). Cytogenetic location: 7p21.3.
Variant type: single nucleotide variant.
Coding change: c.130G>A on transcript NM_015204.3 (MANE Select); coding-DNA position 130, G replaced by A.
Protein change: p.Ala44Thr; replaces alanine 44 with threonine.
Molecular consequence: missense variant.
Genome position (GRCh38, 1-based): chr7:11,831,817, C>T on the plus strand (G>A on the coding strand, the complement: THSD7A is on the minus strand). VCF-style: chr7-11831817-C-T. GRCh37 (hg19) VCF-style: chr7-11871443-C-T.
Other names: short protein forms A44T.
Identifiers: ClinVar variation 3456306 (VCV003456306.2).

ClinVar aggregate classification (germline): Conflicting classifications of pathogenicity. Review status: criteria provided, conflicting classifications (1 of 4 stars). 2 submissions from 2 submitters: Uncertain significance (1); Likely benign (1). Last evaluated 2026-02-06.

Conditions:
THSD7A-related disorder. Also called: THSD7A-related condition.

Submissions (2):

PreventionGenetics, part of Exact Sciences
Classification: Likely benign for THSD7A-related condition. Last evaluated: 2026-02-06. Review status: criteria provided, single submitter. Criteria: ACMG Guidelines, 2015. Collection method: clinical testing. Allele origin: germline.
Comment: This variant is classified as likely benign based on ACMG/AMP sequence variant interpretation guidelines (Richards et al. 2015 PMID: 25741868, with internal and published modifications).

Ambry Genetics
Classification: Uncertain significance. Last evaluated: 2024-07-16. Review status: criteria provided, single submitter. Criteria: Ambry Variant Classification Scheme 2023. Collection method: clinical testing. Allele origin: germline.